The following is an entry in ClinVar:

NM_000138.5(FBN1):c.18_31dup (p.Leu11fs)

Gene: FBN1 (fibrillin 1; minus strand). Cytogenetic location: 15q21.1.
Variant type: Duplication.
Coding change: c.18_31dup on transcript NM_000138.5 (MANE Select); coding-DNA positions 18 to 31, 14 bases duplicated (GCTGGAGATCGCCC).
Protein change: p.Leu11fs; shifts the reading frame from leucine 11.
Molecular consequence: frameshift variant.
Genome position (GRCh38, 1-based): chr15:48,644,739-48,644,752, GGGCGATCTCCAGC duplicated on the plus strand (GCTGGAGATCGCCC on the coding strand, the reverse complement: FBN1 is on the minus strand). VCF-style (leftmost placement, unchanged base first): chr15-48644738-A-AGGGCGATCTCCAGC. GRCh37 (hg19) VCF-style: chr15-48936935-A-AGGGCGATCTCCAGC.
Other names: short protein forms L11fs.
Identifiers: ClinVar variation 981071 (VCV000981071.1), dbSNP rs1890262867, ClinGen allele CA1139663961.

ClinVar aggregate classification (germline): Likely pathogenic (1 of 4 stars; one submission).

Conditions:
Marfan Syndrome/Loeys-Dietz Syndrome/Familial Thoracic Aortic Aneurysms and Dissections. Identifiers: MedGen CN229799.

Submission:

Women's Health and Genetics/Laboratory Corporation of America, LabCorp
Classification: Likely pathogenic for Marfan Syndrome/Loeys-Dietz Syndrome/Familial Thoracic Aortic Aneurysms and Dissections. Last evaluated: 2020-09-24. Review status: criteria provided, single submitter. Criteria: LabCorp Variant Classification Summary - May 2015. Collection method: clinical testing. Allele origin: germline.
Comment: Variant summary: FBN1 c.18_31dup14 (p.Leu11ArgfsX12) results in a premature termination codon, predicted to cause a truncation of the encoded protein or absence of the protein due to nonsense mediated decay, which are commonly known mechanisms for disease. Truncations downstream of this position have been classified as pathogenic by our laboratory. The variant was absent in 250510 control chromosomes. To our knowledge, no occurrence of c.18_31dup14 in individuals affected with Marfan Syndrome and no experimental evidence demonstrating its impact on protein function have been reported. No clinical diagnostic laboratories have submitted clinical-significance assessments for this variant to ClinVar after 2014. Based on the evidence outlined above, the variant was classified as likely pathogenic.